The following is an entry in ClinVar:

NM_004371.4(COPA):c.1403A>T (p.Asp468Val)

Gene: COPA (coat protein complex I subunit alpha; minus strand). Cytogenetic location: 1q23.2.
Variant type: single nucleotide variant.
Coding change: c.1403A>T on transcript NM_004371.4 (MANE Select); coding-DNA position 1403, A replaced by T.
Protein change: p.Asp468Val; replaces aspartic acid 468 with valine.
Molecular consequence: missense variant.
Genome position (GRCh38, 1-based): chr1:160,306,393, T>A on the plus strand (A>T on the coding strand, the complement: COPA is on the minus strand). VCF-style: chr1-160306393-T-A. GRCh37 (hg19) VCF-style: chr1-160276183-T-A.
Other names: c.1403A>T, p.Asp468Val (NM_001098398.2); short protein forms D468V.
Identifiers: ClinVar variation 2002644 (VCV002002644.4), dbSNP rs2525389216, ClinGen allele CA343255806.

ClinVar aggregate classification (germline): Uncertain significance (1 of 4 stars; one submission).

Conditions:
Autoimmune interstitial lung disease-arthritis syndrome. Also called: Autoinflammation and autoimmunity, systemic, with immune dysregulation. Identifiers: Orphanet 444092, MedGen C5975714, MONDO:0014629.

Submission:

Labcorp Genetics (formerly Invitae), Labcorp
Classification: Uncertain significance for Autoimmune interstitial lung disease-arthritis syndrome. Last evaluated: 2023-07-28. Review status: criteria provided, single submitter. Criteria: Invitae Variant Classification Sherloc (09022015). Collection method: clinical testing. Allele origin: germline.
Comment: This variant is not present in population databases (gnomAD no frequency). This sequence change replaces aspartic acid, which is acidic and polar, with valine, which is neutral and non-polar, at codon 468 of the COPA protein (p.Asp468Val). This variant has not been reported in the literature in individuals affected with COPA-related conditions. ClinVar contains an entry for this variant (Variation ID: 2002644). Advanced modeling of protein sequence and biophysical properties (such as structural, functional, and spatial information, amino acid conservation, physicochemical variation, residue mobility, and thermodynamic stability) performed at Invitae indicates that this missense variant is expected to disrupt COPA protein function. In summary, the available evidence is currently insufficient to determine the role of this variant in disease. Therefore, it has been classified as a Variant of Uncertain Significance.